The following is an entry in ClinVar:

NM_000217.3(KCNA1):c.1325G>C (p.Ser442Thr)

Gene: KCNA1 (potassium voltage-gated channel subfamily A member 1; plus strand). Cytogenetic location: 12p13.32.
Variant type: single nucleotide variant.
Coding change: c.1325G>C on transcript NM_000217.3 (MANE Select); coding-DNA position 1325, G replaced by C.
Protein change: p.Ser442Thr; replaces serine 442 with threonine.
Molecular consequence: missense variant.
Genome position (GRCh38, 1-based): chr12:4,912,703, G>C. VCF-style: chr12-4912703-G-C. GRCh37 (hg19) VCF-style: chr12-5021869-G-C.
Other names: short protein forms S442T.
Identifiers: ClinVar variation 934436 (VCV000934436.9), dbSNP rs1947359738, ClinGen allele CA383456531.

ClinVar aggregate classification (germline): Uncertain significance (1 of 4 stars; one submission).

Conditions:
Episodic ataxia type 1 (EA1). Also called: PAROXYSMAL ATAXIA WITH NEUROMYOTONIA, HEREDITARY; ATAXIA, EPISODIC, WITH MYOKYMIA; MYOKYMIA WITH PERIODIC ATAXIA; Episodic ataxia/myokymia syndrome. Identifiers: Orphanet 37612, Orphanet 972, MedGen C1719788, MONDO:0008047, OMIM 160120.

Allele frequency attached by ClinVar (database versions not stated): gnomAD exomes below 0.00001.
gnomAD v4.1: 3 of 1,613,098 alleles (0.00019%); highest among the groups gnomAD compares: South Asian, 0.0033%; no homozygotes.

Submission:

Labcorp Genetics (formerly Invitae), Labcorp
Classification: Uncertain significance for Episodic ataxia type 1. Last evaluated: 2019-09-08. Review status: criteria provided, single submitter. Criteria: Invitae Variant Classification Sherloc (09022015). Collection method: clinical testing. Allele origin: germline.
Comment: This variant is not present in population databases (ExAC no frequency). In summary, the available evidence is currently insufficient to determine the role of this variant in disease. Therefore, it has been classified as a Variant of Uncertain Significance. Algorithms developed to predict the effect of missense changes on protein structure and function (SIFT, PolyPhen-2, Align-GVGD) all suggest that this variant is likely to be tolerated, but these predictions have not been confirmed by published functional studies and their clinical significance is uncertain. This variant has not been reported in the literature in individuals with KCNA1-related conditions. This sequence change replaces serine with threonine at codon 442 of the KCNA1 protein (p.Ser442Thr). The serine residue is highly conserved and there is a small physicochemical difference between serine and threonine.